The following is an entry in ClinVar:

ClinVar aggregate classification (germline): Uncertain significance (1 of 4 stars; one submission).

Conditions:
Christianson syndrome (MRXSCH). Also called: X-linked mental retardation, syndromic, Christianson type; SLC9A6-Related Syndromic Mental Retardation; INTELLECTUAL DEVELOPMENTAL DISORDER, X-LINKED, SYNDROMIC, CHRISTIANSON TYPE. Identifiers: Orphanet 85278, MedGen C2678194, MONDO:0010278, OMIM 300243.

Submission:

Labcorp Genetics (formerly Invitae), Labcorp
Classification: Uncertain significance for Christianson syndrome. Last evaluated: 2024-09-27. Review status: criteria provided, single submitter. Criteria: Invitae Variant Classification Sherloc (09022015). Collection method: clinical testing. Allele origin: germline.
Comment: This sequence change replaces leucine, which is neutral and non-polar, with valine, which is neutral and non-polar, at codon 74 of the SLC9A6 protein (p.Leu74Val). This variant is present in population databases (rs796053296, gnomAD 0.001%). This variant has not been reported in the literature in individuals affected with SLC9A6-related conditions. Invitae Evidence Modeling of protein sequence and biophysical properties (such as structural, functional, and spatial information, amino acid conservation, physicochemical variation, residue mobility, and thermodynamic stability) indicates that this missense variant is not expected to disrupt SLC9A6 protein function with a negative predictive value of 80%. In summary, the available evidence is currently insufficient to determine the role of this variant in disease. Therefore, it has been classified as a Variant of Uncertain Significance.

NM_001379110.1(SLC9A6):c.64C>G (p.Leu22Val)

Genes: SLC9A6 (solute carrier family 9 member A6; plus strand), LOC130068747 (ATAC-STARR-seq lymphoblastoid active region 29988; plus strand). Cytogenetic location: Xq26.3.
Variant type: single nucleotide variant.
Coding change: c.64C>G on transcript NM_001379110.1 (MANE Select); coding-DNA position 64, C replaced by G.
Protein change: p.Leu22Val; replaces leucine 22 with valine.
Molecular consequence: missense variant.
Genome position (GRCh38, 1-based): chrX:135,985,722, C>G. VCF-style: chrX-135985722-C-G. GRCh37 (hg19) VCF-style: chrX-135067881-C-G.
Other names: c.220C>G, p.Leu74Val (NM_001042537.2, NM_006359.3); c.64C>G, p.Leu22Val (NM_001177651.2, NM_001330652.2); short protein forms L74V, L22V.
Identifiers: ClinVar variation 3709143 (VCV003709143.2), dbSNP rs796053296.
Genomic context (GRCh38, chrX:135,985,722, plus strand): 5'-GACGAGGAGATCGTGTCCGAGAAGCAAGCCGAGGAGAGCCACCGGCAGGACAGCGCCAAC[C>G]TGCTCATCTTCATCCTGCTGCTCACCCTCACCATTCTCACAATCTGGCTCTTCAAGCACC-3'
Protein context (NP_001366039.1, residues 12-32): EESHRQDSAN[Leu22Val]LIFILLLTLT